The following is an entry in ClinVar:

ClinVar aggregate classification (germline): Pathogenic/Likely pathogenic. Review status: criteria provided, multiple submitters, no conflicts (2 of 4 stars). 3 submissions from 3 submitters: Pathogenic (1); Likely pathogenic (2). Last evaluated 2023-06-26.

Conditions:
Sotos syndrome (SOTOS). Also called: Distinctive facial appearance, overgrowth in childhood, and learning disabilities or delayed development; CEREBRAL GIGANTISM; Sotos' syndrome; CHROMOSOME 5q35 DELETION SYNDROME; SOTOS SYNDROME 1. Identifiers: Orphanet 821, MedGen C0175695, MONDO:0019349, OMIM 117550.

Submissions (3):

GeneDx
Classification: Likely pathogenic. Last evaluated: 2023-06-26. Review status: criteria provided, single submitter. Criteria: GeneDx Variant Classification Process June 2021. Collection method: clinical testing. Allele origin: germline. Affected: yes.
Comment: In-frame deletion of 1 amino acid in a non-repeat region; Not observed at significant frequency in large population cohorts (gnomAD); In silico analysis supports a deleterious effect on protein structure/function; This variant is associated with the following publications: (PMID: 17565729, 15942875)

Genome-Nilou Lab
Classification: Likely pathogenic for Sotos syndrome. Last evaluated: 2021-07-15. Review status: criteria provided, single submitter. Criteria: ACMG Guidelines, 2015. Collection method: clinical testing. Allele origin: germline. Affected: no.

Genetic Services Laboratory, University of Chicago
Classification: Pathogenic for Sotos syndrome 1. Last evaluated: 2013-02-08. Review status: criteria provided, single submitter. Criteria: ACMG Guidelines, 2007. Collection method: clinical testing. Allele origin: germline. Inheritance: Autosomal dominant inheritance. Affected: yes.

NM_022455.5(NSD1):c.6521_6523del (p.Phe2174del)

Gene: NSD1 (nuclear receptor binding SET domain protein 1; plus strand). Cytogenetic location: 5q35.3.
Variant type: Deletion.
Coding change: c.6521_6523del on transcript NM_022455.5 (MANE Select); coding-DNA positions 6521 to 6523, 3 bases deleted (TCT; older notation c.6521_6523delTCT).
Protein change: p.Phe2174del; deletes phenylalanine 2174.
Molecular consequence: inframe deletion. On other transcripts: inframe indel (11).
Genome position (GRCh38, 1-based): chr5:177,293,889-177,293,891, TCT deleted; deleting any 3 consecutive bases within chr5:177,293,887-177,293,891 gives the same sequence; the c. name uses the placement nearest the transcript's 3' end. VCF-style (leftmost placement, unchanged base first): chr5-177293886-CCTT-C. GRCh37 (hg19) VCF-style: chr5-176720887-CCTT-C.
Other names: c.5648_5650delTCT, p.Phe1883del (NM_001365684.2, NM_001409308.1, NM_172349.5); c.6521_6523delTCT, p.Phe2174del (NM_001409301.1, NM_001409302.1, NM_001409303.1); c.6101_6103delTCT, p.Phe2034del (NM_001409304.1); c.5768_5770delTCT, p.Phe1923del (NM_001409305.1); c.5759_5761delTCT, p.Phe1920del (NM_001409306.1, NM_001409307.1); c.5399_5401delTCT, p.Phe1800del (NM_001409309.1); short protein forms F1905del, F1883del, F2034del, F1800del, F1920del, F1923del.
Identifiers: ClinVar variation 159428 (VCV000159428.10), dbSNP rs587784206, ClinGen allele CA295095.